The following is an entry in ClinVar:

ClinVar aggregate classification (germline): Likely benign. Review status: criteria provided, multiple submitters, no conflicts (2 of 4 stars). 3 submissions from 3 submitters: Likely benign (3). Last evaluated 2024-12-18.

Conditions:
USH1C-related disorder. Also called: USH1C-related condition.

Allele frequency attached by ClinVar (database versions not stated): ExAC 0.00007; gnomAD exomes 0.00008 and 0.00030; TOPMed 0.00008; gnomAD 0.00009 and 0.00010; ESP Exome Variant Server 0.00023.
gnomAD v4.1: 441 of 1,614,092 alleles (0.027%); highest among the groups gnomAD compares: Non-Finnish European, 0.037%; no homozygotes.

Submissions (3):

PreventionGenetics, part of Exact Sciences
Classification: Likely benign for USH1C-related condition. Last evaluated: 2024-12-18. Review status: criteria provided, single submitter. Criteria: ACMG Guidelines, 2015. Collection method: clinical testing. Allele origin: germline.
Comment: This variant is classified as likely benign based on ACMG/AMP sequence variant interpretation guidelines (Richards et al. 2015 PMID: 25741868, with internal and published modifications).

Blueprint Genetics
Classification: Likely benign. Last evaluated: 2023-09-23. Review status: criteria provided, single submitter. Criteria: ACMG Guidelines, 2015. Collection method: clinical testing. Allele origin: germline.

Labcorp Genetics (formerly Invitae), Labcorp
Classification: Likely benign. Last evaluated: 2018-10-01. Review status: criteria provided, single submitter. Criteria: Invitae Variant Classification Sherloc (09022015). Collection method: clinical testing. Allele origin: germline.

NM_153676.4(USH1C):c.1362G>A (p.Glu454=)

Gene: USH1C (USH1 protein network component harmonin; minus strand). Cytogenetic location: 11p15.1.
Variant type: single nucleotide variant.
Coding change: c.1362G>A on transcript NM_153676.4 (MANE Select); coding-DNA position 1362, G replaced by A.
Protein change: p.Glu454=; no amino-acid change (glutamic acid 454 retained).
Molecular consequence: synonymous variant. On other transcripts: intron variant (2).
Genome position (GRCh38, 1-based): chr11:17,511,953, C>T on the plus strand (G>A on the coding strand, the complement: USH1C is on the minus strand). VCF-style: chr11-17511953-C-T. GRCh37 (hg19) VCF-style: chr11-17533500-C-T.
Other names: c.1362G>A (NM_153676.3); c.1227+5448G>A (NM_001297764.2); c.1284+5448G>A (NM_005709.4).
Identifiers: ClinVar variation 755058 (VCV000755058.10), dbSNP rs141729602, ClinGen allele CA5904596.